The following is an entry in ClinVar:

ClinVar aggregate classification (germline): Likely benign (1 of 4 stars; one submission).

Submission:

CeGaT Center for Human Genetics Tuebingen
Classification: Likely benign. Last evaluated: 2026-05-01. Review status: criteria provided, single submitter. Criteria: CeGaT Center For Human Genetics Tuebingen Variant Classification Criteria Version 2. Collection method: clinical testing. Allele origin: germline. Affected: yes. Observed: 1 variant allele.
Comment: TOGARAM1: PM2:Supporting, BP4, BP7

NM_001308120.2(TOGARAM1):c.366G>T (p.Arg122=)

Gene: TOGARAM1 (TOG array regulator of axonemal microtubules 1; plus strand). Cytogenetic location: 14q21.2.
Variant type: single nucleotide variant.
Coding change: c.366G>T on transcript NM_001308120.2 (MANE Select); coding-DNA position 366, G replaced by T.
Protein change: p.Arg122=; no amino-acid change (arginine 122 retained).
Molecular consequence: synonymous variant. On other transcripts: non-coding transcript variant (1).
Genome position (GRCh38, 1-based): chr14:44,962,787, G>T. VCF-style: chr14-44962787-G-T. GRCh37 (hg19) VCF-style: chr14-45431990-G-T.
Other names: c.366G>T, p.Arg122= (NM_015091.4).
Identifiers: ClinVar variation 4874203 (VCV004874203.2).
Genomic context (GRCh38, chr14:44,962,787, plus strand): 5'-CCTCCGCACTGCCCGGGATCCTTCTGAGGCCTTCCAGGCTTTGCAAGCTGCTTTGCCGCG[G>T]CGGGGCGGTCGACTTGGCTTCCCCCGACGCAAGGAAGCTTTGTATCGGGCACTGGGCCGA-3'
Protein context (NP_001295049.1, residues 112-132): AFQALQAALP[Arg122=]RGGRLGFPRR